The following is an entry in ClinVar:

NM_019844.4(SLCO1B3):c.1829A>G (p.Gln610Arg)

Genes: SLCO1B3 (solute carrier organic anion transporter family member 1B3; plus strand), SLCO1B3-SLCO1B7 (SLCO1B3-SLCO1B7 readthrough; plus strand). Cytogenetic location: 12p12.2.
Variant type: single nucleotide variant.
Coding change: c.1829A>G on transcript NM_019844.4 (MANE Select); coding-DNA position 1829, A replaced by G.
Protein change: p.Gln610Arg; replaces glutamine 610 with arginine.
Molecular consequence: missense variant.
Genome position (GRCh38, 1-based): chr12:20,901,431, A>G. VCF-style: chr12-20901431-A-G. GRCh37 (hg19) VCF-style: chr12-21054365-A-G.
Other names: c.1829A>G, p.Gln610Arg (NM_001371097.1); c.1745A>G, p.Gln582Arg (NM_001349920.2); short protein forms Q610R, Q582R.
Identifiers: ClinVar variation 4981722 (VCV004981722.1).
Genomic context (GRCh38, chr12:20,901,431, plus strand): 5'-ATTTTGGGGCTCTGATTGATAAAACATGTATGAAGTGGTCCACCAACAGCTGTGGAGCAC[A>G]AGGGGCTTGTAGGATATATAATTCCGTATTTTTTGGGTAAGTTGTCGTAAACACATTTCA-3'
Protein context (NP_062818.1, residues 600-620): MKWSTNSCGA[Gln610Arg]GACRIYNSVF

ClinVar aggregate classification (germline): Uncertain significance (1 of 4 stars; one submission).

Conditions:
SLCO1B3-related disorder. Also called: SLCO1B3-related condition.

gnomAD v4.1: 11 of 1,572,066 alleles (0.0007%); highest among the groups gnomAD compares: Non-Finnish European, 0.00094%; no homozygotes.

Submission:

PreventionGenetics, part of Exact Sciences
Classification: Uncertain significance for SLCO1B3-related condition. Last evaluated: 2025-04-04. Review status: criteria provided, single submitter. Criteria: ACMG Guidelines, 2015. Collection method: clinical testing. Allele origin: germline.
Comment: The SLCO1B3 c.1829A>G variant is predicted to result in the amino acid substitution p.Gln610Arg. To our knowledge, this variant has not been reported in the literature. This variant is reported in 0.00099% of alleles in individuals of European (Non-Finnish) descent in gnomAD. At this time, the clinical significance of this variant is uncertain due to the absence of conclusive functional and genetic evidence.